The following is an entry in ClinVar:

ClinVar aggregate classification (germline): Conflicting classifications of pathogenicity. Review status: criteria provided, conflicting classifications (1 of 4 stars). 4 submissions from 4 submitters: Uncertain significance (1); Likely benign (3). Last evaluated 2026-03-30.

Conditions:
EVC2-related disorder. Also called: EVC2-related condition.
Ellis-van Creveld syndrome (EVC). Also called: Chondroectodermal dysplasia; MESOECTODERMAL DYSPLASIA. Identifiers: Orphanet 289, MedGen C0013903, MONDO:0009162, OMIM 225500.
Curry-Hall syndrome (WAD). Also called: WEYERS ACRODENTAL DYSOSTOSIS. Identifiers: Orphanet 952, MedGen C0457013, MONDO:0008673, OMIM 193530.

Allele frequency attached by ClinVar (database versions not stated): gnomAD 0.00006; TOPMed 0.00012; 1000 Genomes Project 0.00020; 1000 Genomes Project 30x 0.00031.
gnomAD v4.1: 159 of 1,614,184 alleles (0.0099%); highest among the groups gnomAD compares: Admixed American, 0.26%; no homozygotes.

Submissions (4):

PreventionGenetics, part of Exact Sciences
Classification: Likely benign for EVC2-related condition. Last evaluated: 2026-03-30. Review status: criteria provided, single submitter. Criteria: ACMG Guidelines, 2015. Collection method: clinical testing. Allele origin: germline.
Comment: This variant is classified as likely benign based on ACMG/AMP sequence variant interpretation guidelines (Richards et al. 2015 PMID: 25741868, with internal and published modifications).

Labcorp Genetics (formerly Invitae), Labcorp
Classification: Likely benign for Curry-Hall syndrome; Ellis-van Creveld syndrome. Last evaluated: 2026-01-29. Review status: criteria provided, single submitter. Criteria: Invitae Variant Classification Sherloc (09022015). Collection method: clinical testing. Allele origin: germline.

ARUP Laboratories, Molecular Genetics and Genomics, ARUP Laboratories
Classification: Likely benign. Last evaluated: 2024-04-29. Review status: criteria provided, single submitter. Criteria: ARUP Molecular Germline Variant Investigation Process 2024. Collection method: clinical testing. Allele origin: germline.

GeneDx
Classification: Uncertain significance. Last evaluated: 2017-02-17. Review status: criteria provided, single submitter. Criteria: GeneDx Variant Classification (06012015). Collection method: clinical testing. Allele origin: germline. Affected: yes.
Comment: The G296A variant in the EVC2 gene has not been reported previously as a pathogenic variant, nor as a benign variant, to our knowledge. The G296A variant is observed in 60/11406 (0.53%) alleles from individuals of Latino background, in the ExAC dataset (Lek et al., 2016). The G296A variant is a conservative amino acid substitution, which is not likely to impact secondary protein structure as these residues share similar properties. This substitution occurs at a position that is conserved in mammals. In silico analysis is inconsistent in its predictions as to whether or not the variant is damaging to the protein structure/function. We interpret G296A as a variant of uncertain significance.

NM_147127.5(EVC2):c.887G>C (p.Gly296Ala)

Gene: EVC2 (EvC ciliary complex subunit 2; minus strand). Cytogenetic location: 4p16.2.
Variant type: single nucleotide variant.
Coding change: c.887G>C on transcript NM_147127.5 (MANE Select); coding-DNA position 887, G replaced by C.
Protein change: p.Gly296Ala; replaces glycine 296 with alanine.
Molecular consequence: missense variant.
Genome position (GRCh38, 1-based): chr4:5,665,633, C>G on the plus strand (G>C on the coding strand, the complement: EVC2 is on the minus strand). VCF-style: chr4-5665633-C-G. GRCh37 (hg19) VCF-style: chr4-5667360-C-G.
Other names: c.647G>C, p.Gly216Ala (NM_001166136.2); short protein forms G296A, G216A.
Identifiers: ClinVar variation 423241 (VCV000423241.23), dbSNP rs201083070, ClinGen allele CA2835239.